The following is an entry in ClinVar:

ClinVar aggregate classification (germline): Uncertain significance (1 of 4 stars; one submission).

gnomAD v4.1: 1 of 1,593,136 alleles (0.000063%); no homozygotes.

Submission:

Labcorp Genetics (formerly Invitae), Labcorp
Classification: Uncertain significance. Last evaluated: 2025-12-28. Review status: criteria provided, single submitter. Criteria: Invitae Variant Classification Sherloc (09022015). Collection method: clinical testing. Allele origin: germline.
Comment: This sequence change replaces valine, which is neutral and non-polar, with phenylalanine, which is neutral and non-polar, at codon 429 of the KIF11 protein (p.Val429Phe). This variant is not present in population databases (gnomAD no frequency). This variant has not been reported in the literature in individuals affected with KIF11-related conditions. ClinVar contains an entry for this variant (Variation ID: 859777). Invitae Evidence Modeling of protein sequence and biophysical properties (such as structural, functional, and spatial information, amino acid conservation, physicochemical variation, residue mobility, and thermodynamic stability) indicates that this missense variant is not expected to disrupt KIF11 protein function with a negative predictive value of 95%. In summary, the available evidence is currently insufficient to determine the role of this variant in disease. Therefore, it has been classified as a Variant of Uncertain Significance.

NM_004523.4(KIF11):c.1285G>T (p.Val429Phe)

Gene: KIF11 (kinesin family member 11; plus strand). Cytogenetic location: 10q23.33.
Variant type: single nucleotide variant.
Coding change: c.1285G>T on transcript NM_004523.4 (MANE Select); coding-DNA position 1285, G replaced by T.
Protein change: p.Val429Phe; replaces valine 429 with phenylalanine.
Molecular consequence: missense variant.
Genome position (GRCh38, 1-based): chr10:92,628,875, G>T. VCF-style: chr10-92628875-G-T. GRCh37 (hg19) VCF-style: chr10-94388632-G-T.
Other names: short protein forms V429F.
Identifiers: ClinVar variation 859777 (VCV000859777.7), dbSNP rs759666788, ClinGen allele CA377591512.